The following is an entry in ClinVar:

ClinVar aggregate classification (germline): Uncertain significance. Review status: criteria provided, multiple submitters, no conflicts (2 of 4 stars). 2 submissions from 2 submitters: Uncertain significance (2). Last evaluated 2024-08-01.

Conditions:
Inborn genetic diseases. Identifiers: MedGen C0950123, MeSH D030342.

Allele frequency attached by ClinVar (database versions not stated): ExAC 0.00001; gnomAD exomes 0.00001; TOPMed 0.00001.
gnomAD v4.1: 15 of 1,613,484 alleles (0.00093%); highest among the groups gnomAD compares: Admixed American, 0.0083%; no homozygotes.

Submissions (2):

Ambry Genetics
Classification: Uncertain significance for Inborn genetic diseases. Last evaluated: 2024-08-01. Review status: criteria provided, single submitter. Criteria: Ambry Variant Classification Scheme 2023. Collection method: clinical testing. Allele origin: germline.

Labcorp Genetics (formerly Invitae), Labcorp
Classification: Uncertain significance. Last evaluated: 2022-08-06. Review status: criteria provided, single submitter. Criteria: Invitae Variant Classification Sherloc (09022015). Collection method: clinical testing. Allele origin: germline.
Comment: This sequence change replaces glutamine, which is neutral and polar, with arginine, which is basic and polar, at codon 392 of the MYSM1 protein (p.Gln392Arg). This variant is present in population databases (rs752787642, gnomAD 0.01%). This variant has not been reported in the literature in individuals affected with MYSM1-related conditions. Algorithms developed to predict the effect of missense changes on protein structure and function are either unavailable or do not agree on the potential impact of this missense change (SIFT: "Tolerated"; PolyPhen-2: "Possibly Damaging"; Align-GVGD: "Class C0"). In summary, the available evidence is currently insufficient to determine the role of this variant in disease. Therefore, it has been classified as a Variant of Uncertain Significance.

NM_001085487.3(MYSM1):c.1175A>G (p.Gln392Arg)

Gene: MYSM1 (Myb like, SWIRM and MPN domains 1; minus strand). Cytogenetic location: 1p32.1.
Variant type: single nucleotide variant.
Coding change: c.1175A>G on transcript NM_001085487.3 (MANE Select); coding-DNA position 1175, A replaced by G.
Protein change: p.Gln392Arg; replaces glutamine 392 with arginine.
Molecular consequence: missense variant.
Genome position (GRCh38, 1-based): chr1:58,681,869, T>C on the plus strand (A>G on the coding strand, the complement: MYSM1 is on the minus strand). VCF-style: chr1-58681869-T-C. GRCh37 (hg19) VCF-style: chr1-59147541-T-C.
Other names: c.1175A>G (NM_001085487.2); short protein forms Q392R.
Identifiers: ClinVar variation 1910245 (VCV001910245.3), dbSNP rs752787642, ClinGen allele CA877903.